The following is an entry in ClinVar:

NM_004990.4(MARS1):c.590C>T (p.Ala197Val)

Gene: MARS1 (methionyl-tRNA synthetase 1; plus strand). Cytogenetic location: 12q13.3.
Variant type: single nucleotide variant.
Coding change: c.590C>T on transcript NM_004990.4 (MANE Select); coding-DNA position 590, C replaced by T.
Protein change: p.Ala197Val; replaces alanine 197 with valine.
Molecular consequence: missense variant.
Genome position (GRCh38, 1-based): chr12:57,490,306, C>T. VCF-style: chr12-57490306-C-T. GRCh37 (hg19) VCF-style: chr12-57884089-C-T.
Other names: short protein forms A197V.
Identifiers: ClinVar variation 2926429 (VCV002926429.3), dbSNP rs768441688, ClinGen allele CA6650219.
Genomic context (GRCh38, chr12:57,490,306, plus strand): 5'-GTACCCAGGAACCATGTCAGCGAGCTGCAGAGACTGTACTGAAACAGCAAGGTGTCCTGG[C>T]TCTCCGGCCTTACCTCCAAAAGCAGCCCCAGCCCAGCCCCGCTGAGGGAAGGGCTGTCAC-3'
Protein context (NP_004981.2, residues 187-207): ETVLKQQGVL[Ala197Val]LRPYLQKQPQ

ClinVar aggregate classification (germline): Uncertain significance (1 of 4 stars; one submission).

Conditions:
Charcot-Marie-Tooth disease axonal type 2U. Also called: CHARCOT-MARIE-TOOTH NEUROPATHY, TYPE 2U; CHARCOT-MARIE-TOOTH DISEASE, AXONAL, AUTOSOMAL DOMINANT, TYPE 2U. Identifiers: Orphanet 397735, MedGen C4084821, MONDO:0014566, OMIM 616280.
Severe early-onset pulmonary alveolar proteinosis due to MARS deficiency. Also called: PULMONARY ALVEOLAR PROTEINOSIS, REUNION ISLAND; Interstitial lung and liver disease. Identifiers: Orphanet 440427, MedGen C4225400, MONDO:0014206, OMIM 615486.

Allele frequency attached by ClinVar (database versions not stated): ExAC 0.00002.
gnomAD v4.1: 24 of 1,612,968 alleles (0.0015%); highest among the groups gnomAD compares: Non-Finnish European, 0.0019%; no homozygotes.

Submission:

Labcorp Genetics (formerly Invitae), Labcorp
Classification: Uncertain significance for Charcot-Marie-Tooth disease axonal type 2U; Severe early-onset pulmonary alveolar proteinosis due to MARS deficiency. Last evaluated: 2023-09-27. Review status: criteria provided, single submitter. Criteria: Invitae Variant Classification Sherloc (09022015). Collection method: clinical testing. Allele origin: germline.
Comment: This sequence change replaces alanine, which is neutral and non-polar, with valine, which is neutral and non-polar, at codon 197 of the MARS protein (p.Ala197Val). This variant is present in population databases (rs768441688, gnomAD 0.002%). This variant has not been reported in the literature in individuals affected with MARS-related conditions. An algorithm developed to predict the effect of missense changes on protein structure and function (PolyPhen-2) suggests that this variant is likely to be tolerated. In summary, the available evidence is currently insufficient to determine the role of this variant in disease. Therefore, it has been classified as a Variant of Uncertain Significance.